The following is an entry in ClinVar:

NM_032444.4(SLX4):c.1164-9G>A

Gene: SLX4 (SLX4 structure-specific endonuclease subunit; minus strand). Cytogenetic location: 16p13.3.
Variant type: single nucleotide variant.
Coding change: c.1164-9G>A on transcript NM_032444.4 (MANE Select); 9 bases into the intron before coding-DNA position 1164, G replaced by A.
Molecular consequence: intron variant.
Genome position (GRCh38, 1-based): chr16:3,598,008, C>T on the plus strand (G>A on the coding strand, the complement: SLX4 is on the minus strand). VCF-style: chr16-3598008-C-T. GRCh37 (hg19) VCF-style: chr16-3648009-C-T.
Identifiers: ClinVar variation 949258 (VCV000949258.11), dbSNP rs2040686112, ClinGen allele CA1139664453.

ClinVar aggregate classification (germline): Conflicting classifications of pathogenicity. Review status: criteria provided, conflicting classifications (1 of 4 stars). 2 submissions from 2 submitters: Uncertain significance (1); Likely benign (1). Last evaluated 2023-03-29.

Conditions:
Fanconi anemia (FA). Also called: Fanconi's anemia. Identifiers: Orphanet 84, MedGen C0015625, MeSH D005199, MONDO:0019391.

Allele frequency attached by ClinVar (database versions not stated): gnomAD exomes below 0.00001.
gnomAD v4.1: 2 of 1,614,142 alleles (0.00012%); highest among the groups gnomAD compares: Middle Eastern, 0.016%; no homozygotes.

Submissions (2):

Labcorp Genetics (formerly Invitae), Labcorp
Classification: Likely benign for Fanconi anemia. Last evaluated: 2023-03-29. Review status: criteria provided, single submitter. Criteria: Invitae Variant Classification Sherloc (09022015). Collection method: clinical testing. Allele origin: germline.

Sema4
Classification: Uncertain significance for Fanconi anemia. Last evaluated: 2021-11-15. Review status: criteria provided, single submitter. Criteria: Sema4 Curation Guidelines. Collection method: curation. Allele origin: germline.
Comment: The SLX4 c.1164-9G>A variant has not been reported in the literature to our knowledge. It was not observed in the large and broad cohorts of the Genome Aggregation Database. The variant has been reported in ClinVar (Variation ID: 949258). In silico tools suggest the variant may not disrupt normal splicing, however these predictions have not been confirmed by transcriptional studies. The evidence is insufficient to meet ACMG/AMP criteria for classifying the variant as benign or pathogenic. Thus, the clinical significance of this variant is currently uncertain.